The following is an entry in ClinVar:

ClinVar aggregate classification (germline): Uncertain significance. Review status: criteria provided, multiple submitters, no conflicts (2 of 4 stars). 3 submissions from 3 submitters: Uncertain significance (3). Last evaluated 2025-10-09.

Conditions:
Inborn genetic diseases. Identifiers: MedGen C0950123, MeSH D030342.

Allele frequency attached by ClinVar (database versions not stated): ExAC 0.00002; TOPMed 0.00007; gnomAD 0.00007; ESP Exome Variant Server 0.00008; gnomAD exomes 0.00003.
gnomAD v4.1: 55 of 1,602,084 alleles (0.0034%); highest among the groups gnomAD compares: Admixed American, 0.01%; no homozygotes.

Submissions (3):

Dasa
Classification: Uncertain significance. Last evaluated: 2025-10-09. Review status: criteria provided, single submitter. Criteria: DASA Assertion Criteria. Collection method: clinical testing. Allele origin: germline.
Comment: NM_182943.3(PLOD2):c.947A>G (p.Asp316Gly) is a missense variant that results in the substitution of aspartic acid with glycine. This variant has been observed in affected individuals with PLOD2-related disorders. Also, this variant is rare in population databases. The currently available literature and clinical evidence are not sufficient to establish a definitive association between this variant and the reported condition. Therefore, this variant is classified as a variant of uncertain significance.

Labcorp Genetics (formerly Invitae), Labcorp
Classification: Uncertain significance. Last evaluated: 2023-08-11. Review status: criteria provided, single submitter. Criteria: Invitae Variant Classification Sherloc (09022015). Collection method: clinical testing. Allele origin: germline.
Comment: This sequence change replaces aspartic acid, which is acidic and polar, with glycine, which is neutral and non-polar, at codon 316 of the PLOD2 protein (p.Asp316Gly). This variant is present in population databases (rs150961837, gnomAD 0.006%). This variant has not been reported in the literature in individuals affected with PLOD2-related conditions. ClinVar contains an entry for this variant (Variation ID: 2068184). Advanced modeling of protein sequence and biophysical properties (such as structural, functional, and spatial information, amino acid conservation, physicochemical variation, residue mobility, and thermodynamic stability) performed at Invitae indicates that this missense variant is not expected to disrupt PLOD2 protein function. In summary, the available evidence is currently insufficient to determine the role of this variant in disease. Therefore, it has been classified as a Variant of Uncertain Significance.

Ambry Genetics
Classification: Uncertain significance for Inborn genetic diseases. Last evaluated: 2022-02-10. Review status: criteria provided, single submitter. Criteria: Ambry Variant Classification Scheme 2023. Collection method: clinical testing. Allele origin: germline.

NM_182943.3(PLOD2):c.947A>G (p.Asp316Gly)

Gene: PLOD2 (procollagen-lysine,2-oxoglutarate 5-dioxygenase 2; minus strand). Cytogenetic location: 3q24.
Variant type: single nucleotide variant.
Coding change: c.947A>G on transcript NM_182943.3 (MANE Select); coding-DNA position 947, A replaced by G.
Protein change: p.Asp316Gly; replaces aspartic acid 316 with glycine.
Molecular consequence: missense variant.
Genome position (GRCh38, 1-based): chr3:146,088,644, T>C on the plus strand (A>G on the coding strand, the complement: PLOD2 is on the minus strand). VCF-style: chr3-146088644-T-C. GRCh37 (hg19) VCF-style: chr3-145806431-T-C.
Other names: c.947A>G, p.Asp316Gly (NM_000935.3); short protein forms D316G.
Identifiers: ClinVar variation 2068184 (VCV002068184.5), dbSNP rs150961837, ClinGen allele CA2655070.